The following is an entry in ClinVar:

NM_006005.3(WFS1):c.1814G>A (p.Ser605Asn)

Gene: WFS1 (wolframin ER transmembrane glycoprotein; plus strand). Cytogenetic location: 4p16.1.
Variant type: single nucleotide variant.
Coding change: c.1814G>A on transcript NM_006005.3 (MANE Select); coding-DNA position 1814, G replaced by A.
Protein change: p.Ser605Asn; replaces serine 605 with asparagine.
Molecular consequence: missense variant.
Genome position (GRCh38, 1-based): chr4:6,301,609, G>A. VCF-style: chr4-6301609-G-A. GRCh37 (hg19) VCF-style: chr4-6303336-G-A.
Other names: c.1814G>A, p.Ser605Asn (NM_001145853.1); short protein forms S605N.
Identifiers: ClinVar variation 2415162 (VCV002415162.7), dbSNP rs1468213280, ClinGen allele CA356176895.

ClinVar aggregate classification (germline): Uncertain significance. Review status: criteria provided, multiple submitters, no conflicts (2 of 4 stars). 2 submissions from 2 submitters: Uncertain significance (2). Last evaluated 2024-06-07.

Allele frequency attached by ClinVar (database versions not stated): gnomAD exomes 0.00001.
gnomAD v4.1: 8 of 1,614,162 alleles (0.0005%); highest among the groups gnomAD compares: Admixed American, 0.0017%; no homozygotes.

Submissions (2):

GeneDx
Classification: Uncertain significance. Last evaluated: 2024-06-07. Review status: criteria provided, single submitter. Criteria: GeneDx Variant Classification Process June 2021. Collection method: clinical testing. Allele origin: germline. Affected: yes.
Comment: In silico analysis indicates that this missense variant does not alter protein structure/function; Has not been previously published as pathogenic or benign to our knowledge

Labcorp Genetics (formerly Invitae), Labcorp
Classification: Uncertain significance. Last evaluated: 2021-12-25. Review status: criteria provided, single submitter. Criteria: Invitae Variant Classification Sherloc (09022015). Collection method: clinical testing. Allele origin: germline.
Comment: This sequence change replaces serine, which is neutral and polar, with asparagine, which is neutral and polar, at codon 605 of the WFS1 protein (p.Ser605Asn). This variant is present in population databases (no rsID available, gnomAD 0.003%). This variant has not been reported in the literature in individuals affected with WFS1-related conditions. Advanced modeling of protein sequence and biophysical properties (such as structural, functional, and spatial information, amino acid conservation, physicochemical variation, residue mobility, and thermodynamic stability) performed at Invitae indicates that this missense variant is not expected to disrupt WFS1 protein function. In summary, the available evidence is currently insufficient to determine the role of this variant in disease. Therefore, it has been classified as a Variant of Uncertain Significance.